The following is an entry in ClinVar:

ClinVar aggregate classification (germline): Uncertain significance (1 of 4 stars; one submission).

Conditions:
Vici syndrome (VICIS). Identifiers: Orphanet 1493, MedGen C1855772, MONDO:0009452, OMIM 242840.

Allele frequency attached by ClinVar (database versions not stated): gnomAD 0.00001; ExAC 0.00002; TOPMed 0.00003.
gnomAD v4.1: 7 of 1,613,996 alleles (0.00043%); highest among the groups gnomAD compares: African/African-American, 0.0027%; no homozygotes.

Submission:

Labcorp Genetics (formerly Invitae), Labcorp
Classification: Uncertain significance for Vici syndrome. Last evaluated: 2022-08-19. Review status: criteria provided, single submitter. Criteria: Invitae Variant Classification Sherloc (09022015). Collection method: clinical testing. Allele origin: germline.
Comment: This sequence change replaces aspartic acid, which is acidic and polar, with asparagine, which is neutral and polar, at codon 115 of the EPG5 protein (p.Asp115Asn). This variant is present in population databases (rs768905605, gnomAD 0.007%). This variant has not been reported in the literature in individuals affected with EPG5-related conditions. Algorithms developed to predict the effect of missense changes on protein structure and function output the following: SIFT: "Deleterious"; PolyPhen-2: "Benign"; Align-GVGD: "Class C0". The asparagine amino acid residue is found in multiple mammalian species, which suggests that this missense change does not adversely affect protein function. In summary, the available evidence is currently insufficient to determine the role of this variant in disease. Therefore, it has been classified as a Variant of Uncertain Significance.

NM_020964.3(EPG5):c.343G>A (p.Asp115Asn)

Gene: EPG5 (ectopic P-granules 5 autophagy tethering factor; minus strand). Cytogenetic location: 18q21.1.
Variant type: single nucleotide variant.
Coding change: c.343G>A on transcript NM_020964.3 (MANE Select); coding-DNA position 343, G replaced by A.
Protein change: p.Asp115Asn; replaces aspartic acid 115 with asparagine.
Molecular consequence: missense variant.
Genome position (GRCh38, 1-based): chr18:45,955,059, C>T on the plus strand (G>A on the coding strand, the complement: EPG5 is on the minus strand). VCF-style: chr18-45955059-C-T. GRCh37 (hg19) VCF-style: chr18-43535025-C-T.
Other names: c.343G>A, p.Asp115Asn (NM_001410858.1, NM_001410859.1); short protein forms D115N.
Identifiers: ClinVar variation 2196954 (VCV002196954.1), dbSNP rs768905605, ClinGen allele CA8949966.